The following is an entry in ClinVar:

NM_001267550.2(TTN):c.85863T>C (p.Tyr28621=)

Genes: TTN-AS1 (TTN antisense RNA 1; plus strand), TTN (titin; minus strand). Cytogenetic location: 2q31.2.
Variant type: single nucleotide variant.
Coding change: c.85863T>C on transcript NM_001267550.2 (MANE Select); coding-DNA position 85863, T replaced by C.
Protein change: p.Tyr28621=; no amino-acid change (tyrosine 28621 retained).
Molecular consequence: synonymous variant.
Genome position (GRCh38, 1-based): chr2:178,560,269, A>G on the plus strand (T>C on the coding strand, the complement: TTN is on the minus strand). VCF-style: chr2-178560269-A-G. GRCh37 (hg19) VCF-style: chr2-179424996-A-G.
Other names: c.59244T>C, p.Tyr19748= (NM_133437.4); c.80940T>C, p.Tyr26980= (NM_001256850.1); c.58668T>C, p.Tyr19556= (NM_003319.4); c.78159T>C, p.Tyr26053= (NM_133378.4); c.59043T>C, p.Tyr19681= (NM_133432.3).
Identifiers: ClinVar variation 467572 (VCV000467572.23), dbSNP rs113527853, ClinGen allele CA1988577.

ClinVar aggregate classification (germline): Benign/Likely benign. Review status: criteria provided, multiple submitters, no conflicts (2 of 4 stars). 9 submissions from 6 submitters: Benign (5); Likely benign (4). Last evaluated 2025-09-01.

Conditions:
Cardiovascular phenotype. Identifiers: MedGen CN230736.
Cardiomyopathy (CMYO). Also called: Cardiomyopathies. Identifiers: Orphanet 167848, MedGen C0878544, MONDO:0004994, HP:0001638. Inheritance: Various modes of inheritance.
Dilated cardiomyopathy 1G (CMD1G). Identifiers: Orphanet 154, MedGen C1858763, MONDO:0011400, OMIM 604145.
Autosomal recessive limb-girdle muscular dystrophy type 2J (LGMDR10). Also called: Limb-girdle muscular dystrophy, type 2J; MUSCULAR DYSTROPHY, LIMB-GIRDLE, AUTOSOMAL RECESSIVE 10. Identifiers: Orphanet 140922, MedGen C1837342, MONDO:0012127, OMIM 608807.
Early-onset myopathy with fatal cardiomyopathy (CMYO5). Also called: Salih Myopathy; CONGENITAL MYOPATHY 5 WITH CARDIOMYOPATHY. Identifiers: Orphanet 289377, MedGen C2673677, MONDO:0012714, OMIM 611705. Disease mechanism: loss of function.
Myopathy, myofibrillar, 9, with early respiratory failure (MFM9). Also called: Hereditary myopathy with early respiratory failure; MYOPATHY, PROXIMAL, WITH EARLY RESPIRATORY MUSCLE INVOLVEMENT; Myopathy, distal, with early respiratory failure, autosomal dominant; EDSTROM MYOPATHY. Identifiers: Orphanet 178464, Orphanet 34521, MedGen C1863599, MONDO:0011362, OMIM 603689.
Tibial muscular dystrophy (TMD). Also called: UDD MYOPATHY; Tibial muscular dystrophy, tardive; Udd Distal Myopathy – Tibial Muscular Dystrophy. Identifiers: Orphanet 609, MedGen C1838244, MONDO:0010870, OMIM 600334.

Allele frequency attached by ClinVar (database versions not stated): gnomAD below 0.00001 and 0.00001; TOPMed 0.00001; ExAC 0.00003; gnomAD exomes 0.00003 and 0.00005.
gnomAD v4.1: 45 of 1,613,678 alleles (0.0028%); highest among the groups gnomAD compares: South Asian, 0.041%; 1 homozygote.

Submissions (9):

CeGaT Center for Human Genetics Tuebingen
Classification: Likely benign. Last evaluated: 2025-09-01. Review status: criteria provided, single submitter. Criteria: CeGaT Center For Human Genetics Tuebingen Variant Classification Criteria Version 2. Collection method: clinical testing. Allele origin: germline. Affected: yes. Observed: 1 variant allele.
Comment: TTN: BP4, BP7

Labcorp Genetics (formerly Invitae), Labcorp
Classification: Likely benign for Dilated cardiomyopathy 1G; Autosomal recessive limb-girdle muscular dystrophy type 2J. Last evaluated: 2025-06-11. Review status: criteria provided, single submitter. Criteria: Invitae Variant Classification Sherloc (09022015). Collection method: clinical testing. Allele origin: germline.

Blueprint Genetics
Classification: Likely benign. Last evaluated: 2024-04-09. Review status: criteria provided, single submitter. Criteria: ACMG Guidelines, 2015. Collection method: clinical testing. Allele origin: germline.

Ambry Genetics
Classification: Likely benign for Cardiovascular phenotype. Last evaluated: 2022-09-21. Review status: criteria provided, single submitter. Criteria: Ambry Variant Classification Scheme 2023. Collection method: clinical testing. Allele origin: germline.

Genome-Nilou Lab
Classification: Benign for Autosomal recessive limb-girdle muscular dystrophy type 2J. Last evaluated: 2021-09-10. Review status: criteria provided, single submitter. Criteria: ACMG Guidelines, 2015. Collection method: clinical testing. Allele origin: germline. Affected: no.

Genome-Nilou Lab
Classification: Benign for Myopathy, myofibrillar, 9, with early respiratory failure. Last evaluated: 2021-09-10. Review status: criteria provided, single submitter. Criteria: ACMG Guidelines, 2015. Collection method: clinical testing. Allele origin: germline. Affected: no.

Genome-Nilou Lab
Classification: Benign for Early-onset myopathy with fatal cardiomyopathy. Last evaluated: 2021-09-10. Review status: criteria provided, single submitter. Criteria: ACMG Guidelines, 2015. Collection method: clinical testing. Allele origin: germline. Affected: no.

Genome-Nilou Lab
Classification: Benign for Tibial muscular dystrophy. Last evaluated: 2021-09-10. Review status: criteria provided, single submitter. Criteria: ACMG Guidelines, 2015. Collection method: clinical testing. Allele origin: germline. Affected: no.

CHEO Genetics Diagnostic Laboratory, Children's Hospital of Eastern Ontario
Classification: Benign for Cardiomyopathy. Last evaluated: 2018-02-01. Review status: criteria provided, single submitter. Criteria: ACMG Guidelines, 2015. Collection method: clinical testing. Allele origin: germline.